The following is an entry in ClinVar:

NM_015425.6(POLR1A):c.1045C>A (p.Gln349Lys)

Gene: POLR1A (RNA polymerase I subunit A; minus strand). Cytogenetic location: 2p11.2.
Variant type: single nucleotide variant.
Coding change: c.1045C>A on transcript NM_015425.6 (MANE Select); coding-DNA position 1045, C replaced by A.
Protein change: p.Gln349Lys; replaces glutamine 349 with lysine.
Molecular consequence: missense variant.
Genome position (GRCh38, 1-based): chr2:86,080,857, G>T on the plus strand (C>A on the coding strand, the complement: POLR1A is on the minus strand). VCF-style: chr2-86080857-G-T. GRCh37 (hg19) VCF-style: chr2-86307980-G-T.
Other names: short protein forms Q349K.
Identifiers: ClinVar variation 4699418 (VCV004699418.1).

ClinVar aggregate classification (germline): Uncertain significance (1 of 4 stars; one submission).

gnomAD v4.1: 4 of 1,613,882 alleles (0.00025%); highest among the groups gnomAD compares: Admixed American, 0.0017%; no homozygotes.

Submission:

Labcorp Genetics (formerly Invitae), Labcorp
Classification: Uncertain significance. Last evaluated: 2025-11-12. Review status: criteria provided, single submitter. Criteria: Invitae Variant Classification Sherloc (09022015). Collection method: clinical testing. Allele origin: germline.
Comment: This sequence change replaces glutamine, which is neutral and polar, with lysine, which is basic and polar, at codon 349 of the POLR1A protein (p.Gln349Lys). This variant is not present in population databases (gnomAD no frequency). This variant has not been reported in the literature in individuals affected with POLR1A-related conditions. Invitae Evidence Modeling of protein sequence and biophysical properties (such as structural, functional, and spatial information, amino acid conservation, physicochemical variation, residue mobility, and thermodynamic stability) indicates that this missense variant is not expected to disrupt POLR1A protein function with a negative predictive value of 80%. In summary, the available evidence is currently insufficient to determine the role of this variant in disease. Therefore, it has been classified as a Variant of Uncertain Significance.